The following is an entry in ClinVar:

ClinVar aggregate classification (germline): Uncertain significance. Review status: criteria provided, multiple submitters, no conflicts (2 of 4 stars). 2 submissions from 2 submitters: Uncertain significance (2). Last evaluated 2025-10-18.

Conditions:
Inborn genetic diseases. Identifiers: MedGen C0950123, MeSH D030342.

Allele frequency attached by ClinVar (database versions not stated): TOPMed below 0.00001; gnomAD 0.00001.
gnomAD v4.1: 1 of 1,614,072 alleles (0.000062%); highest among the groups gnomAD compares: Admixed American, 0.0017%; no homozygotes.

Submissions (2):

Ambry Genetics
Classification: Uncertain significance for Inborn genetic diseases. Last evaluated: 2025-10-18. Review status: criteria provided, single submitter. Criteria: Ambry Variant Classification Scheme 2023. Collection method: clinical testing. Allele origin: germline.

Labcorp Genetics (formerly Invitae), Labcorp
Classification: Uncertain significance. Last evaluated: 2023-11-27. Review status: criteria provided, single submitter. Criteria: Invitae Variant Classification Sherloc (09022015). Collection method: clinical testing. Allele origin: germline.
Comment: This sequence change replaces threonine, which is neutral and polar, with alanine, which is neutral and non-polar, at codon 208 of the ARHGEF18 protein (p.Thr208Ala). This variant is not present in population databases (gnomAD no frequency). This variant has not been reported in the literature in individuals affected with ARHGEF18-related conditions. ClinVar contains an entry for this variant (Variation ID: 1961278). Algorithms developed to predict the effect of missense changes on protein structure and function output the following: SIFT: "Not Available"; PolyPhen-2: "Benign"; Align-GVGD: "Not Available". The alanine amino acid residue is found in multiple mammalian species, which suggests that this missense change does not adversely affect protein function. In summary, the available evidence is currently insufficient to determine the role of this variant in disease. Therefore, it has been classified as a Variant of Uncertain Significance.

NM_001367823.1(ARHGEF18):c.1186A>G (p.Thr396Ala)

Gene: ARHGEF18 (Rho/Rac guanine nucleotide exchange factor 18; plus strand). Cytogenetic location: 19p13.2.
Variant type: single nucleotide variant.
Coding change: c.1186A>G on transcript NM_001367823.1 (MANE Select); coding-DNA position 1186, A replaced by G.
Protein change: p.Thr396Ala; replaces threonine 396 with alanine.
Molecular consequence: missense variant.
Genome position (GRCh38, 1-based): chr19:7,441,732, A>G. VCF-style: chr19-7441732-A-G. GRCh37 (hg19) VCF-style: chr19-7506618-A-G.
Other names: c.622A>G (NM_001130955.1); c.460A>G, p.Thr154Ala (NM_001130955.2); c.148A>G, p.Thr50Ala (NM_001367824.1, NM_015318.4); short protein forms T154A, T396A, T50A.
Identifiers: ClinVar variation 1961278 (VCV001961278.6), dbSNP rs1974657525, ClinGen allele CA403099446.